The following is an entry in ClinVar:

ClinVar aggregate classification (germline): Uncertain significance/Uncertain risk allele. Review status: criteria provided, multiple submitters, no conflicts (2 of 4 stars). 3 submissions from 3 submitters: Uncertain significance (2); Uncertain risk allele (1). Last evaluated 2025-06-18.

Conditions:
Diabetic retinopathy. Identifiers: MedGen C0011884, MONDO:0005266.
Familial thoracic aortic aneurysm and aortic dissection (TAAD). Also called: Thoracic aortic aneurysms and dissections. Identifiers: Orphanet 91387, MedGen C4707243, MONDO:0019625.

Allele frequency attached by ClinVar (database versions not stated): TOPMed below 0.00001.
gnomAD v4.1: 2 of 1,614,002 alleles (0.00012%); highest among the groups gnomAD compares: Admixed American, 0.0033%; no homozygotes.

Submissions (3):

Labcorp Genetics (formerly Invitae), Labcorp
Classification: Uncertain significance for Familial thoracic aortic aneurysm and aortic dissection. Last evaluated: 2025-06-18. Review status: criteria provided, single submitter. Criteria: Invitae Variant Classification Sherloc (09022015). Collection method: clinical testing. Allele origin: germline.
Comment: This sequence change replaces lysine, which is basic and polar, with methionine, which is neutral and non-polar, at codon 124 of the TGFBR2 protein (p.Lys124Met). This variant is present in population databases (no rsID available, gnomAD 0.006%). This variant has not been reported in the literature in individuals affected with TGFBR2-related conditions. ClinVar contains an entry for this variant (Variation ID: 1442459). Invitae Evidence Modeling of protein sequence and biophysical properties (such as structural, functional, and spatial information, amino acid conservation, physicochemical variation, residue mobility, and thermodynamic stability) has been performed for this missense variant. However, the output from this modeling did not meet the statistical confidence thresholds required to predict the impact of this variant on TGFBR2 protein function. In summary, the available evidence is currently insufficient to determine the role of this variant in disease. Therefore, it has been classified as a Variant of Uncertain Significance.

Ambry Genetics
Classification: Uncertain significance for Familial thoracic aortic aneurysm and aortic dissection. Last evaluated: 2024-08-01. Review status: criteria provided, single submitter. Criteria: Ambry Variant Classification Scheme 2023. Collection method: clinical testing. Allele origin: germline.

Clinical Genomics, Uppaluri K&H Personalized Medicine Clinic
Classification: Uncertain risk allele for Diabetic retinopathy. Review status: criteria provided, single submitter. Criteria: K And H Uppaluri Personalized Medicine Clinic Variant Classification And Assertion Criteria Updated V 2. Collection method: research. Allele origin: unknown.
Comment: Potent mutations in TGFBR2 gene encodes the transforming growth factor that have been associated with angiogenesis and diabetic retinopathy. More clinical studies are needed for stronger association. However, more evidence is required to confer the association of this particular variant rs776374040 with diabetic retinopathy.

Literature cited by the submitters: PubMed 30222965 (cited by Clinical Genomics, Uppaluri K&H Personalized Medicine Clinic); PubMed 28162229 (cited by Clinical Genomics, Uppaluri K&H Personalized Medicine Clinic); PubMed 34572573 (cited by Clinical Genomics, Uppaluri K&H Personalized Medicine Clinic).

NM_003242.6(TGFBR2):c.371A>T (p.Lys124Met)

Gene: TGFBR2 (transforming growth factor beta receptor 2; plus strand). Cytogenetic location: 3p24.1.
Variant type: single nucleotide variant.
Coding change: c.371A>T on transcript NM_003242.6 (MANE Select); coding-DNA position 371, A replaced by T.
Protein change: p.Lys124Met; replaces lysine 124 with methionine.
Molecular consequence: missense variant.
Genome position (GRCh38, 1-based): chr3:30,650,377, A>T. VCF-style: chr3-30650377-A-T. GRCh37 (hg19) VCF-style: chr3-30691869-A-T.
Other names: c.446A>T, p.Lys149Met (NM_001024847.3, NM_001407126.1, NM_001407139.1); c.371A>T, p.Lys124Met (NM_001407127.1, NM_001407130.1); c.398A>T, p.Lys133Met (NM_001407128.1); c.266A>T, p.Lys89Met (NM_001407129.1, NM_001407132.1, NM_001407133.1 and 3 more transcripts); c.371A>T (NM_003242.5); short protein forms K124M, K149M, K89M, K133M.
Identifiers: ClinVar variation 1442459 (VCV001442459.9), dbSNP rs776374040, ClinGen allele CA351806938.